The following is an entry in ClinVar:

NM_004655.4(AXIN2):c.1941G>C (p.Glu647Asp)

Gene: AXIN2 (axin 2; minus strand). Cytogenetic location: 17q24.1.
Variant type: single nucleotide variant.
Coding change: c.1941G>C on transcript NM_004655.4 (MANE Select); coding-DNA position 1941, G replaced by C.
Protein change: p.Glu647Asp; replaces glutamic acid 647 with aspartic acid.
Molecular consequence: missense variant.
Genome position (GRCh38, 1-based): chr17:65,536,520, C>G on the plus strand (G>C on the coding strand, the complement: AXIN2 is on the minus strand). VCF-style: chr17-65536520-C-G. GRCh37 (hg19) VCF-style: chr17-63532638-C-G.
Other names: c.1746G>C, p.Glu582Asp (NM_001363813.1); short protein forms E647D, E582D.
Identifiers: ClinVar variation 4619944 (VCV004619944.1).

ClinVar aggregate classification (germline): Uncertain significance (1 of 4 stars; one submission).

Conditions:
Hereditary cancer-predisposing syndrome. Also called: Neoplastic Syndromes, Hereditary; Tumor predisposition; Hereditary Cancer Syndrome; Hereditary neoplastic syndrome. Identifiers: Orphanet 140162, MedGen C0027672, MeSH D009386, MONDO:0015356.

Submission:

Ambry Genetics
Classification: Uncertain significance for Hereditary cancer-predisposing syndrome. Last evaluated: 2025-12-14. Review status: criteria provided, single submitter. Criteria: Ambry Variant Classification Scheme 2023. Collection method: clinical testing. Allele origin: germline.
Comment: The p.E647D variant (also known as c.1941G>C), located in coding exon 7 of the AXIN2 gene, results from a G to C substitution at nucleotide position 1941. The glutamic acid at codon 647 is replaced by aspartic acid, an amino acid with highly similar properties. This amino acid position is conserved. In addition, this alteration is predicted to be tolerated by in silico analysis. Based on the available evidence, the clinical significance of this variant remains unclear.